The following is an entry in ClinVar:

ClinVar aggregate classification (germline): Likely benign (1 of 4 stars; one submission).

Submission:

Laboratory for Molecular Medicine, Mass General Brigham Personalized Medicine
Classification: Likely benign. Last evaluated: 2010-11-15. Review status: criteria provided, single submitter. Criteria: LMM Criteria. Collection method: clinical testing. Allele origin: germline. Observed: 1 variant allele.
Comment: Tyr3093Phe in exon 47 of USH2A: This variant has not been reported in the litera ture. It is not highly conserved in mammals and computational analyses (BLOSUM, PolyPhen, SIFT, AlignGVGD) all suggest that the variant will not impact the prot ein. Therefore, this variant is more likely benign.

NM_206933.4(USH2A):c.9278A>T (p.Tyr3093Phe)

Gene: USH2A (usherin; minus strand). Cytogenetic location: 1q41.
Variant type: single nucleotide variant.
Coding change: c.9278A>T on transcript NM_206933.4 (MANE Select); coding-DNA position 9278, A replaced by T.
Protein change: p.Tyr3093Phe; replaces tyrosine 3093 with phenylalanine.
Molecular consequence: missense variant.
Genome position (GRCh38, 1-based): chr1:215,838,084, T>A on the plus strand (A>T on the coding strand, the complement: USH2A is on the minus strand). VCF-style: chr1-215838084-T-A. GRCh37 (hg19) VCF-style: chr1-216011426-T-A.
Other names: short protein forms Y3093F.
Identifiers: ClinVar variation 48619 (VCV000048619.5), dbSNP rs397518045, ClinGen allele CA143654.
Genomic context (GRCh38, chr1:215,838,084, plus strand): 5'-ATATCACTTGGAGTGTCTTCCACAGTGGTAATTTGGGTTCCATTGCTTTTCACGCAGGCA[T>A]ATATTGTGCAGACTTCAACCTGCAAACATTAGTTTAGAAAAAATAAATGCAACCATTTTT-3'
Protein context (NP_996816.3, residues 3083-3103): YDIQVEVCTI[Tyr3093Phe]ACVKSNGTQI